The following is an entry in ClinVar:

NM_001330260.2(SCN8A):c.1670C>G (p.Ser557Cys)

Gene: SCN8A (sodium voltage-gated channel alpha subunit 8; plus strand). Cytogenetic location: 12q13.13.
Variant type: single nucleotide variant.
Coding change: c.1670C>G on transcript NM_001330260.2 (MANE Select); coding-DNA position 1670, C replaced by G.
Protein change: p.Ser557Cys; replaces serine 557 with cysteine.
Molecular consequence: missense variant.
Genome position (GRCh38, 1-based): chr12:51,721,580, C>G. VCF-style: chr12-51721580-C-G. GRCh37 (hg19) VCF-style: chr12-52115364-C-G.
Other names: c.1670C>G, p.Ser557Cys (NM_001177984.3, NM_001369788.1, NM_014191.4); short protein forms S557C.
Identifiers: ClinVar variation 2073447 (VCV002073447.4), dbSNP rs1942061989, ClinGen allele CA385229330.

ClinVar aggregate classification (germline): Uncertain significance (1 of 4 stars; one submission).

Conditions:
Early-infantile DEE. Also called: Early infantile epileptic encephalopathy with suppression bursts; Ohtahara syndrome; Early infantile epileptic encephalopathy. Identifiers: Orphanet 1934, MedGen C0393706, MONDO:0800491.

Submission:

Labcorp Genetics (formerly Invitae), Labcorp
Classification: Uncertain significance for Early-infantile DEE. Last evaluated: 2022-09-29. Review status: criteria provided, single submitter. Criteria: Invitae Variant Classification Sherloc (09022015). Collection method: clinical testing. Allele origin: germline.
Comment: In summary, the available evidence is currently insufficient to determine the role of this variant in disease. Therefore, it has been classified as a Variant of Uncertain Significance. Advanced modeling of protein sequence and biophysical properties (such as structural, functional, and spatial information, amino acid conservation, physicochemical variation, residue mobility, and thermodynamic stability) performed at Invitae indicates that this missense variant is not expected to disrupt SCN8A protein function. This variant has not been reported in the literature in individuals affected with SCN8A-related conditions. This variant is not present in population databases (gnomAD no frequency). This sequence change replaces serine, which is neutral and polar, with cysteine, which is neutral and slightly polar, at codon 557 of the SCN8A protein (p.Ser557Cys).